The following is an entry in ClinVar:

ClinVar aggregate classification (germline): Likely benign (1 of 4 stars; one submission).

Allele frequency attached by ClinVar (database versions not stated): ExAC 0.00001; gnomAD 0.00001; TOPMed 0.00001.

Submission:

CeGaT Center for Human Genetics Tuebingen
Classification: Likely benign. Last evaluated: 2023-01-01. Review status: criteria provided, single submitter. Criteria: CeGaT Center For Human Genetics Tuebingen Variant Classification Criteria Version 2. Collection method: clinical testing. Allele origin: germline. Affected: yes. Observed: 1 variant allele.
Comment: ENKD1: BP4, BP7

NM_032140.3(ENKD1):c.570C>T (p.Pro190=)

Gene: ENKD1 (enkurin domain containing 1; minus strand). Cytogenetic location: 16q22.1.
Variant type: single nucleotide variant.
Coding change: c.570C>T on transcript NM_032140.3 (MANE Select); coding-DNA position 570, C replaced by T.
Protein change: p.Pro190=; no amino-acid change (proline 190 retained).
Molecular consequence: synonymous variant. On other transcripts: non-coding transcript variant (1).
Genome position (GRCh38, 1-based): chr16:67,663,946, G>A on the plus strand (C>T on the coding strand, the complement: ENKD1 is on the minus strand). VCF-style: chr16-67663946-G-A. GRCh37 (hg19) VCF-style: chr16-67697849-G-A.
Identifiers: ClinVar variation 2646635 (VCV002646635.24), dbSNP rs766545107, ClinGen allele CA8115396.